The following is an entry in ClinVar:

ClinVar aggregate classification (germline): Conflicting classifications of pathogenicity. Review status: criteria provided, conflicting classifications (1 of 4 stars). 3 submissions from 3 submitters: Uncertain significance (2); Likely benign (1). Last evaluated 2025-09-06.

Allele frequency attached by ClinVar (database versions not stated): TOPMed 0.00014.

Submissions (3):

Labcorp Genetics (formerly Invitae), Labcorp
Classification: Uncertain significance. Last evaluated: 2025-09-06. Review status: criteria provided, single submitter. Criteria: Invitae Variant Classification Sherloc (09022015). Collection method: clinical testing. Allele origin: germline.
Comment: This sequence change replaces arginine, which is basic and polar, with cysteine, which is neutral and slightly polar, at codon 264 of the KIF22 protein (p.Arg264Cys). This variant is present in population databases (rs147345328, gnomAD 0.03%). This variant has not been reported in the literature in individuals affected with KIF22-related conditions. ClinVar contains an entry for this variant (Variation ID: 844673). Invitae Evidence Modeling of protein sequence and biophysical properties (such as structural, functional, and spatial information, amino acid conservation, physicochemical variation, residue mobility, and thermodynamic stability) has been performed for this missense variant. However, the output from this modeling did not meet the statistical confidence thresholds required to predict the impact of this variant on KIF22 protein function. In summary, the available evidence is currently insufficient to determine the role of this variant in disease. Therefore, it has been classified as a Variant of Uncertain Significance.

Blueprint Genetics
Classification: Likely benign. Last evaluated: 2024-04-11. Review status: criteria provided, single submitter. Criteria: ACMG Guidelines, 2015. Collection method: clinical testing. Allele origin: germline.

Breakthrough Genomics
Classification: Uncertain significance. Review status: criteria provided, single submitter. Criteria: ACMG Guidelines, 2015. Collection method: not provided. Allele origin: germline. Inheritance: Autosomal dominant inheritance. Affected: yes.

NM_007317.3(KIF22):c.790C>T (p.Arg264Cys)

Gene: KIF22 (kinesin family member 22; plus strand). Cytogenetic location: 16p11.2.
Variant type: single nucleotide variant.
Coding change: c.790C>T on transcript NM_007317.3 (MANE Select); coding-DNA position 790, C replaced by T.
Protein change: p.Arg264Cys; replaces arginine 264 with cysteine.
Molecular consequence: missense variant.
Genome position (GRCh38, 1-based): chr16:29,799,294, C>T. VCF-style: chr16-29799294-C-T. GRCh37 (hg19) VCF-style: chr16-29810615-C-T.
Other names: c.586C>T, p.Arg196Cys (NM_001256269.2, NM_001256270.1); short protein forms R196C, R264C.
Identifiers: ClinVar variation 844673 (VCV000844673.11), dbSNP rs147345328, ClinGen allele CA7993096.